The following is an entry in ClinVar:

ClinVar aggregate classification (germline): Pathogenic (1 of 4 stars; one submission).

Submission:

Labcorp Genetics (formerly Invitae), Labcorp
Classification: Pathogenic. Last evaluated: 2020-01-30. Review status: criteria provided, single submitter. Criteria: Invitae Variant Classification Sherloc (09022015). Collection method: clinical testing. Allele origin: germline.
Comment: For these reasons, this variant has been classified as Pathogenic. Loss-of-function variants in USH2A are known to be pathogenic (PMID: 10729113, 10909849, 20507924, 25649381). This variant has not been reported in the literature in individuals with USH2A-related conditions. This variant is not present in population databases (ExAC no frequency). This sequence change creates a premature translational stop signal (p.Glu157*) in the USH2A gene. It is expected to result in an absent or disrupted protein product.

Literature cited by the submitters: PubMed 10729113; PubMed 10909849; PubMed 20507924; PubMed 25649381.

NM_206933.4(USH2A):c.469G>T (p.Glu157Ter)

Gene: USH2A (usherin; minus strand). Cytogenetic location: 1q41.
Variant type: single nucleotide variant.
Coding change: c.469G>T on transcript NM_206933.4 (MANE Select); coding-DNA position 469, G replaced by T.
Protein change: p.Glu157Ter; replaces glutamic acid 157 with a stop codon.
Molecular consequence: nonsense.
Genome position (GRCh38, 1-based): chr1:216,421,868, C>A on the plus strand (G>T on the coding strand, the complement: USH2A is on the minus strand). VCF-style: chr1-216421868-C-A. GRCh37 (hg19) VCF-style: chr1-216595210-C-A.
Other names: c.469G>T, p.Glu157Ter (NM_007123.6); short protein forms E157*.
Identifiers: ClinVar variation 1068935 (VCV001068935.7), dbSNP rs2102788200, ClinGen allele CA344903716.